The following is an entry in ClinVar:

ClinVar aggregate classification (germline): Conflicting classifications of pathogenicity. Review status: criteria provided, conflicting classifications (1 of 4 stars). 6 submissions from 6 submitters: Uncertain significance (1); Likely benign (4). 1 of the submissions does not count toward it. Last evaluated 2026-01-26.

Conditions:
Disorders of Intracellular Cobalamin Metabolism. Identifiers: MedGen CN043592.
MTR-related disorder. Also called: MTR-related condition.
Methylcobalamin deficiency type cblG (HMAG). Also called: HOMOCYSTINURIA-MEGALOBLASTIC ANEMIA, cblG COMPLEMENTATION TYPE; HOMOCYSTINURIA-MEGALOBLASTIC ANEMIA, cblG TYPE; Functional methionine synthase deficiency type cblG; HOMOCYSTINURIA-MEGALOBLASTIC ANEMIA DUE TO DEFECT IN COBALAMIN METABOLISM, cblG COMPLEMENTATION TYPE. Identifiers: Orphanet 2170, Orphanet 622, MedGen C1855128, MONDO:0009609, OMIM 250940.

Allele frequency attached by ClinVar (database versions not stated): 1000 Genomes Project 30x 0.00016; 1000 Genomes Project 0.00020; ExAC 0.00035; gnomAD exomes 0.00035 and 0.00053; gnomAD 0.00036 and 0.00038; TOPMed 0.00039; ESP Exome Variant Server 0.00085.
gnomAD v4.1: 821 of 1,613,996 alleles (0.051%); highest among the groups gnomAD compares: Non-Finnish European, 0.063%; 2 homozygotes.

Submissions (9):

Labcorp Genetics (formerly Invitae), Labcorp
Classification: Likely benign for Methylcobalamin deficiency type cblG. Last evaluated: 2026-01-26. Review status: criteria provided, single submitter. Criteria: Invitae Variant Classification Sherloc (09022015). Collection method: clinical testing. Allele origin: germline.

Blueprint Genetics
Classification: Likely benign. Last evaluated: 2024-10-30. Review status: criteria provided, single submitter. Criteria: ACMG Guidelines, 2015. Collection method: clinical testing. Allele origin: germline.

CeGaT Center for Human Genetics Tuebingen
Classification: Likely benign. Last evaluated: 2022-05-01. Review status: criteria provided, single submitter. Criteria: CeGaT Center For Human Genetics Tuebingen Variant Classification Criteria Version 2. Collection method: clinical testing. Allele origin: germline. Affected: yes. Observed: 1 variant allele.
Comment: MTR: BP4, BP7

GeneDx
Classification: Likely benign. Last evaluated: 2021-01-15. Review status: criteria provided, single submitter. Criteria: GeneDx Variant Classification Process June 2021. Collection method: clinical testing. Allele origin: germline. Affected: yes.

Illumina Laboratory Services, Illumina
Classification: Uncertain significance for Disorders of Intracellular Cobalamin Metabolism. Last evaluated: 2018-01-13. Review status: criteria provided, single submitter. Criteria: ICSL Variant Classification Criteria 13 December 2019. Collection method: clinical testing. Allele origin: germline.

PreventionGenetics, part of Exact Sciences
Classification: Likely benign for MTR-related condition. Last evaluated: 2022-12-05. Review status: no assertion criteria provided. Collection method: clinical testing. Allele origin: germline. Not counted in ClinVar's aggregate classification.
Comment: This variant is classified as likely benign based on ACMG/AMP sequence variant interpretation guidelines (Richards et al. 2015 PMID: 25741868, with internal and published modifications).

Dr. Peter K. Rogan Lab, Western University
No classification provided (evidence only). Condition: Familial cancer of breast. Review status: no classification provided. Collection method: in vitro. Allele origin: not applicable. Functional consequence: retained intron. Not counted in ClinVar's aggregate classification.

Dr. Peter K. Rogan Lab, Western University
No classification provided (evidence only). Condition: Gastric cancer. Review status: no classification provided. Collection method: in vitro. Allele origin: not applicable. Functional consequence: retained intron. Not counted in ClinVar's aggregate classification.

Dr. Peter K. Rogan Lab, Western University
No classification provided (evidence only). Condition: Malignant tumor of esophagus. Review status: no classification provided. Collection method: in vitro. Allele origin: not applicable. Functional consequence: retained intron. Not counted in ClinVar's aggregate classification.

NM_000254.3(MTR):c.1977A>G (p.Lys659=)

Gene: MTR (5-methyltetrahydrofolate-homocysteine methyltransferase; plus strand). Cytogenetic location: 1q43.
Variant type: single nucleotide variant.
Coding change: c.1977A>G on transcript NM_000254.3 (MANE Select); coding-DNA position 1977, A replaced by G.
Protein change: p.Lys659=; no amino-acid change (lysine 659 retained).
Molecular consequence: synonymous variant.
Genome position (GRCh38, 1-based): chr1:236,859,856, A>G. VCF-style: chr1-236859856-A-G. GRCh37 (hg19) VCF-style: chr1-237023156-A-G.
Other names: c.1977A>G, p.Lys659= (NM_001291939.1); c.756A>G, p.Lys252= (NM_001291940.2).
Identifiers: ClinVar variation 382042 (VCV000382042.41), dbSNP rs144767461, ClinGen allele CA1474234.